The following is an entry in ClinVar:

ClinVar aggregate classification (germline): Uncertain significance. Review status: criteria provided, multiple submitters, no conflicts (2 of 4 stars). 3 submissions from 3 submitters: Uncertain significance (3). Last evaluated 2024-08-19.

Conditions:
Brittle cornea syndrome 1 (BCS1). Also called: CORNEAL FRAGILITY, KERATOGLOBUS, BLUE SCLERAE, JOINT HYPEREXTENSIBILITY; EDS6B; FRAGILITAS OCULI WITH JOINT HYPEREXTENSIBILITY; Corneal fragility keratoglobus, blue sclerae AND joint hypermobility; DYSGENESIS MESODERMALIS CORNEAE ET SCLERAE. Identifiers: Orphanet 90354, MedGen C0268344, MONDO:0024543, OMIM 229200.
Cardiovascular phenotype. Identifiers: MedGen CN230736.

Allele frequency attached by ClinVar (database versions not stated): gnomAD 0.00001 and 0.00002; gnomAD exomes 0.00002 and 0.00003; TOPMed 0.00002.
gnomAD v4.1: 32 of 1,543,954 alleles (0.0021%); highest among the groups gnomAD compares: Non-Finnish European, 0.0024%; no homozygotes.

Submissions (3):

Ambry Genetics
Classification: Uncertain significance for Cardiovascular phenotype. Last evaluated: 2024-08-19. Review status: criteria provided, single submitter. Criteria: Ambry Variant Classification Scheme 2023. Collection method: clinical testing. Allele origin: germline.

Labcorp Genetics (formerly Invitae), Labcorp
Classification: Uncertain significance. Last evaluated: 2023-11-27. Review status: criteria provided, single submitter. Criteria: Invitae Variant Classification Sherloc (09022015). Collection method: clinical testing. Allele origin: germline.
Comment: This sequence change replaces proline, which is neutral and non-polar, with leucine, which is neutral and non-polar, at codon 3079 of the ZNF469 protein (p.Pro3079Leu). This variant is present in population databases (no rsID available, gnomAD 0.007%). This variant has not been reported in the literature in individuals affected with ZNF469-related conditions. ClinVar contains an entry for this variant (Variation ID: 1370950). Algorithms developed to predict the effect of missense changes on protein structure and function output the following: SIFT: "Not Available"; PolyPhen-2: "Benign"; Align-GVGD: "Not Available". The leucine amino acid residue is found in multiple mammalian species, which suggests that this missense change does not adversely affect protein function. In summary, the available evidence is currently insufficient to determine the role of this variant in disease. Therefore, it has been classified as a Variant of Uncertain Significance.

Fulgent Genetics
Classification: Uncertain significance for Brittle cornea syndrome 1. Last evaluated: 2021-07-01. Review status: criteria provided, single submitter. Criteria: ACMG Guidelines, 2015. Collection method: clinical testing. Allele origin: unknown.

NM_001367624.2(ZNF469):c.9320C>T (p.Pro3107Leu)

Gene: ZNF469 (zinc finger protein 469; plus strand). Cytogenetic location: 16q24.2.
Variant type: single nucleotide variant.
Coding change: c.9320C>T on transcript NM_001367624.2 (MANE Select); coding-DNA position 9320, C replaced by T.
Protein change: p.Pro3107Leu; replaces proline 3107 with leucine.
Molecular consequence: missense variant.
Genome position (GRCh38, 1-based): chr16:88,436,790, C>T. VCF-style: chr16-88436790-C-T. GRCh37 (hg19) VCF-style: chr16-88503198-C-T.
Other names: NM_001127464.1:c.9236C>T; NM_001127464.2:c.9236C>T; short protein forms P3107L.
Identifiers: ClinVar variation 1370950 (VCV001370950.9), dbSNP rs1208219883, ClinGen allele CA397121828.
Genomic context (GRCh38, chr16:88,436,790, plus strand): 5'-CACAGAGCCGAAGGACAGAGGAGGCTGCAGGGGCAGGGAGGGCCCAAGGCAGAGGCCGGC[C>T]GGCCAAGGGCAGGCGGGCCTCCTACAAGTGCAAAGTGTGCTTCCAGCGCTTCCGCAGCCT-3'
Protein context (NP_001354553.1, residues 3097-3117): GAGRAQGRGR[Pro3107Leu]AKGRRASYKC